The following is an entry in ClinVar:

ClinVar aggregate classification (germline): Conflicting classifications of pathogenicity. Review status: criteria provided, conflicting classifications (1 of 4 stars). 7 submissions from 5 submitters: Likely pathogenic (1); Uncertain significance (5). 1 of the submissions does not count toward it. Last evaluated 2024-06-26.

Conditions:
Familial Mediterranean fever, autosomal dominant. Also called: Dominant Familial Mediterranean Fever; FMF, AUTOSOMAL DOMINANT. Identifiers: Orphanet 342, MedGen C1851347, MONDO:0007601, OMIM 134610.
Acute febrile neutrophilic dermatosis (AFND). Also called: Sweet Syndrome; Gomm Button disease. Identifiers: Orphanet 3243, MedGen C0085077, MONDO:0011959, OMIM 608068.
Familial Mediterranean fever (FMF). Also called: POLYSEROSITIS, FAMILIAL PAROXYSMAL; POLYSEROSITIS, RECURRENT; Periodic peritonitis; Benign paroxysmal peritonitis. Identifiers: Orphanet 342, MedGen C0031069, MONDO:0018088, OMIM 249100. Disease mechanism: gain of function.

Allele frequency attached by ClinVar (database versions not stated): gnomAD 0.00003; gnomAD exomes below 0.00001; TOPMed 0.00007.

Submissions (7):

Labcorp Genetics (formerly Invitae), Labcorp
Classification: Uncertain significance for Familial Mediterranean fever. Last evaluated: 2024-06-26. Review status: criteria provided, single submitter. Criteria: Invitae Variant Classification Sherloc (09022015). Collection method: clinical testing. Allele origin: germline.
Comment: This sequence change creates a premature translational stop signal (p.Pro630Alafs*2) in the MEFV gene. While this is not anticipated to result in nonsense mediated decay, it is expected to disrupt the last 152 amino acid(s) of the MEFV protein. This variant is present in population databases (no rsID available, gnomAD 0.003%). This variant has not been reported in the literature in individuals affected with MEFV-related conditions. ClinVar contains an entry for this variant (Variation ID: 234364). In summary, the available evidence is currently insufficient to determine the role of this variant in disease. Therefore, it has been classified as a Variant of Uncertain Significance.

Fulgent Genetics
Classification: Uncertain significance for Familial Mediterranean fever, autosomal dominant; Familial Mediterranean fever; Acute febrile neutrophilic dermatosis. Last evaluated: 2024-02-10. Review status: criteria provided, single submitter. Criteria: ACMG Guidelines, 2015. Collection method: clinical testing. Allele origin: germline.

GeneDx
Classification: Likely pathogenic. Last evaluated: 2024-01-24. Review status: criteria provided, single submitter. Criteria: GeneDx Variant Classification Process June 2021. Collection method: clinical testing. Allele origin: germline. Affected: yes.
Comment: Frameshift variant predicted to result in abnormal protein length as the last 152 amino acids are replaced with 1 different amino acid, and other similar variants have been reported in HGMD; Not observed at significant frequency in large population cohorts (gnomAD); Has not been previously published as pathogenic or benign to our knowledge; This variant is associated with the following publications: (PMID: 19302049)

Women's Health and Genetics/Laboratory Corporation of America, LabCorp
Classification: Uncertain significance. Last evaluated: 2023-03-18. Review status: criteria provided, single submitter. Criteria: LabCorp Variant Classification Summary - May 2015. Collection method: clinical testing. Allele origin: germline.
Comment: Variant summary: MEFV c.1886dupT (p.Pro630AlafsX2) results in a premature termination codon, predicted to cause a truncation of the encoded protein due to its location in the last exon region where nonsense-mediated decay is not expected. At-least one truncation downstream of this position, namely c.2330dupG (p.Gln778Serfs*4) has been reported in association with features of mild Familial Mediterranean Fever (FMF) in an individual who was reportedly compound heterozygous with the well known pathogenic MEFV variant p.Met694Val (example, Duncan_2014). The variant allele was found at a frequency of 4.1e-06 in 241462 control chromosomes. To our knowledge, no occurrence of c.1886dupT in individuals affected with Familial Mediterranean Fever and no experimental evidence demonstrating its impact on protein function have been reported. Five clinical diagnostic laboratories have submitted clinical-significance assessments for this variant to ClinVar after 2014 without evidence for independent evaluation (VUS, n=4; Likely benign, n=1). Based on the evidence outlined above, the variant was classified as uncertain significance.

Genome-Nilou Lab
Classification: Uncertain significance for Familial Mediterranean fever. Last evaluated: 2023-02-08. Review status: criteria provided, single submitter. Criteria: ACMG Guidelines, 2015. Collection method: clinical testing. Allele origin: germline.

Genome-Nilou Lab
Classification: Uncertain significance for Familial Mediterranean fever, autosomal dominant. Last evaluated: 2023-02-08. Review status: criteria provided, single submitter. Criteria: ACMG Guidelines, 2015. Collection method: clinical testing. Allele origin: germline.

Genome-Nilou Lab
Classification: Likely benign for Acute febrile neutrophilic dermatosis. Last evaluated: 2023-02-08. Review status: flagged submission. Criteria: ACMG Guidelines, 2015. Collection method: clinical testing. Allele origin: germline. Not counted in ClinVar's aggregate classification.
ClinVar note: Reason: Unnecessary conflicting claim for distinct condition when other classifications are more relevant

NM_000243.3(MEFV):c.1886dup (p.Pro630fs)

Genes: MEFV (MEFV innate immunity regulator, pyrin; minus strand), LOC126862264 (CDK7 strongly-dependent group 2 enhancer GRCh37_chr16:3293322-3294521; plus strand). Cytogenetic location: 16p13.3.
Variant type: Duplication.
Coding change: c.1886dup on transcript NM_000243.3 (MANE Select); coding-DNA position 1886, one base duplicated (T; older notation c.1886dupT).
Protein change: p.Pro630fs; shifts the reading frame from proline 630.
Molecular consequence: frameshift variant. On other transcripts: 3 prime UTR variant (1).
Genome position (GRCh38, 1-based): chr16:3,243,601, A duplicated on the plus strand (T on the coding strand, the reverse complement: MEFV is on the minus strand). VCF-style (leftmost placement, unchanged base first): chr16-3243600-C-CA. GRCh37 (hg19) VCF-style: chr16-3293600-C-CA.
Other names: c.1886dupT (NM_000243.2); c.*90dup (NM_001198536.2); c.1886dup (NM_000243.2); short protein forms P630fs.
Identifiers: ClinVar variation 234364 (VCV000234364.14), dbSNP rs876660997, ClinGen allele CA10577517.